The following is an entry in ClinVar:

ClinVar aggregate classification (germline): Uncertain significance (1 of 4 stars; one submission).

Conditions:
Hereditary cancer-predisposing syndrome. Also called: Neoplastic Syndromes, Hereditary; Tumor predisposition; Hereditary Cancer Syndrome; Hereditary neoplastic syndrome. Identifiers: Orphanet 140162, MedGen C0027672, MeSH D009386, MONDO:0015356.

Submission:

Ambry Genetics
Classification: Uncertain significance for Hereditary cancer-predisposing syndrome. Last evaluated: 2025-07-10. Review status: criteria provided, single submitter. Criteria: Ambry Variant Classification Scheme 2023. Collection method: clinical testing. Allele origin: germline.
Comment: The p.E2863K variant (also known as c.8587G>A), located in coding exon 19 of the BRCA2 gene, results from a G to A substitution at nucleotide position 8587. The glutamic acid at codon 2863 is replaced by lysine, an amino acid with similar properties. Two saturation genome editing-based studies, including a haploid cell-survival assay and a humanized mouse embryonic stem cell line assay of drug response and survival, demonstrate that this nucleotide substitution is functional (Huang H et al. Nature. 2025 Feb;638(8050):528-537; Sahu S et al. Nature. 2025 Feb;638(8050):538-545). This amino acid position is highly conserved in available vertebrate species. In addition, this alteration is predicted to be deleterious by in silico analysis. Based on the available evidence, the clinical significance of this variant remains unclear.

NM_000059.4(BRCA2):c.8587G>A (p.Glu2863Lys)

Gene: BRCA2 (BRCA2 DNA repair associated; plus strand). Cytogenetic location: 13q13.1.
Variant type: single nucleotide variant.
Coding change: c.8587G>A on transcript NM_000059.4 (MANE Select); coding-DNA position 8587, G replaced by A.
Protein change: p.Glu2863Lys; replaces glutamic acid 2863 with lysine.
Molecular consequence: missense variant. On other transcripts: non-coding transcript variant (1).
Genome position (GRCh38, 1-based): chr13:32,371,055, G>A. VCF-style: chr13-32371055-G-A. GRCh37 (hg19) VCF-style: chr13-32945192-G-A.
Other names: c.8491G>A, p.Glu2831Lys (NM_001406719.1); c.8587G>A, p.Glu2863Lys (NM_001406720.1, NM_001432077.1); c.3655G>A, p.Glu1219Lys (NM_001406721.1); c.2170G>A, p.Glu724Lys (NM_001406722.1); short protein forms E2831K, E2863K, E724K, E1219K.
Identifiers: ClinVar variation 4215148 (VCV004215148.1).
Genomic context (GRCh38, chr13:32,371,055, plus strand): 5'-AATGAAAGAGAGGAAGAAAAGGAAGCAGCAAAATATGTGGAGGCCCAACAAAAGAGACTA[G>A]AAGCCTTATTCACTAAAATTCAGGAGGAATTTGAAGAACATGAAGGTAAAATTAGTTATA-3'
Protein context (NP_000050.3, residues 2853-2873): KYVEAQQKRL[Glu2863Lys]ALFTKIQEEF